The following is an entry in ClinVar:

NM_004168.4(SDHA):c.1192del (p.Glu398fs)

Gene: SDHA (succinate dehydrogenase complex flavoprotein subunit A; plus strand). Cytogenetic location: 5p15.33.
Variant type: Deletion.
Coding change: c.1192del on transcript NM_004168.4 (MANE Select); coding-DNA position 1192, one base deleted (G; older notation c.1192delG).
Protein change: p.Glu398fs; shifts the reading frame from glutamic acid 398.
Molecular consequence: frameshift variant.
Genome position (GRCh38, 1-based): chr5:235,271, G deleted; the last of 2 consecutive G bases (chr5:235,270-235,271); deleting either gives the same sequence. VCF-style (leftmost placement, unchanged base first): chr5-235269-AG-A. GRCh37 (hg19) VCF-style: chr5-235384-AG-A.
Other names: c.1192delG (NM_004168.2); c.1048del, p.Glu350fs (NM_001294332.2); c.1192del, p.Glu398fs (NM_001330758.2); short protein forms E350fs, E398fs.
Identifiers: ClinVar variation 3254392 (VCV003254392.4), dbSNP rs2477364281.
Genomic context (GRCh38, chr5:235,269, plus strand): 5'-CCACGCGCCTGCCTGGCATTTCAGAGACAGCCATGATCTTCGCTGGCGTGGACGTCACGA[AG>A]GAGCCGATCCCTGTCCTCCCCACCGTGCATTATAACATGGGCGGCATTCCCACCAACTAC-3'

ClinVar aggregate classification (germline): Pathogenic. Review status: criteria provided, multiple submitters, no conflicts (2 of 4 stars). 3 submissions from 3 submitters: Pathogenic (3). Last evaluated 2024-10-24.

Conditions:
Mitochondrial complex II deficiency, nuclear type 1. Also called: SUCCINATE CoQ REDUCTASE DEFICIENCY. Identifiers: Orphanet 3208, MedGen C5700310, MONDO:0100294, OMIM 252011.
Pheochromocytoma/paraganglioma syndrome 5. Also called: Paragangliomas 5; SDHA-Related Hereditary Paraganglioma-Pheochromocytoma Syndrome. Identifiers: Orphanet 29072, MedGen C3279992, MONDO:0013602, OMIM 614165.
Hereditary cancer-predisposing syndrome. Also called: Tumor predisposition; Hereditary Cancer Syndrome; Neoplastic Syndromes, Hereditary; Hereditary neoplastic syndrome. Identifiers: Orphanet 140162, MedGen C0027672, MeSH D009386, MONDO:0015356.

Submissions (3):

Labcorp Genetics (formerly Invitae), Labcorp
Classification: Pathogenic for Pheochromocytoma/paraganglioma syndrome 5; Mitochondrial complex II deficiency, nuclear type 1. Last evaluated: 2024-10-24. Review status: criteria provided, single submitter. Criteria: Invitae Variant Classification Sherloc (09022015). Collection method: clinical testing. Allele origin: germline.
Comment: This sequence change creates a premature translational stop signal (p.Glu398Serfs*25) in the SDHA gene. It is expected to result in an absent or disrupted protein product. Loss-of-function variants in SDHA are known to be pathogenic (PMID: 22974104, 24781757). This variant is not present in population databases (gnomAD no frequency). This variant has not been reported in the literature in individuals affected with SDHA-related conditions. For these reasons, this variant has been classified as Pathogenic.

Ambry Genetics
Classification: Pathogenic for Hereditary cancer-predisposing syndrome. Last evaluated: 2024-08-23. Review status: criteria provided, single submitter. Criteria: Ambry Variant Classification Scheme 2023. Collection method: clinical testing. Allele origin: germline.
Comment: The c.1192delG pathogenic mutation, located in coding exon 9 of the SDHA gene, results from a deletion of one nucleotide at nucleotide position 1192, causing a translational frameshift with a predicted alternate stop codon (p.E398Sfs*25). This variant has been observed in at least one individual with a personal and/or family history that is consistent with SDHA-related paraganglioma-pheochromocytoma syndrome (Ambry internal data). This variant is considered to be rare based on population cohorts in the Genome Aggregation Database (gnomAD). This alteration is expected to result in loss of function by premature protein truncation or nonsense-mediated mRNA decay. As such, this alteration is interpreted as a disease-causing mutation.

Myriad Genetics, Inc.
Classification: Pathogenic for Pheochromocytoma/paraganglioma syndrome 5. Last evaluated: 2024-05-22. Review status: criteria provided, single submitter. Criteria: Myriad Autosomal Dominant, Autosomal Recessive and X-Linked Classification Criteria (2023). Collection method: clinical testing. Allele origin: unknown.
Comment: This variant is considered pathogenic. This variant creates a frameshift predicted to result in premature protein truncation.

Literature cited by the submitters: PubMed 22974104 (cited by Labcorp Genetics (formerly Invitae), Labcorp); PubMed 24781757 (cited by Labcorp Genetics (formerly Invitae), Labcorp).